The following is an entry in ClinVar:

NM_001042750.2(STAG2):c.3784-3T>C

Gene: STAG2 (STAG2 cohesin complex component; plus strand). Cytogenetic location: Xq25.
Variant type: single nucleotide variant.
Coding change: c.3784-3T>C on transcript NM_001042750.2 (MANE Select); 3 bases into the intron before coding-DNA position 3784, T replaced by C.
Molecular consequence: intron variant.
Genome position (GRCh38, 1-based): chrX:124,100,571, T>C. VCF-style: chrX-124100571-T-C. GRCh37 (hg19) VCF-style: chrX-123234421-T-C.
Other names: c.3784-3T>C (NM_001042749.2, NM_001375366.1, NM_001375367.1 and 5 more transcripts); c.3673-3T>C (NM_001375373.1, NM_001375374.1, NM_001282418.2 and 5 more transcripts).
Identifiers: ClinVar variation 2128099 (VCV002128099.5), dbSNP rs2522631096, ClinGen allele CA2579695534.
Genomic context (GRCh38, chrX:124,100,571, plus strand): 5'-GGATATATTTAAAGAAATGAATGACTTTTAACGAGATTTTCTCCCCTCTCTCTCTCTCAT[T>C]AGGTTCTTGGAGTGTCAATGTTTTAATACCAGTACACAATTAAATCTGTGGTGAAGTCAT-3'

ClinVar aggregate classification (germline): Uncertain significance. Review status: criteria provided, multiple submitters, no conflicts (2 of 4 stars). 2 submissions from 2 submitters: Uncertain significance (2). Last evaluated 2026-06-10.

Allele frequency attached by ClinVar (database versions not stated): gnomAD exomes below 0.00001.
gnomAD v4.1: 1 of 1,195,699 alleles (0.000084%); highest among the groups gnomAD compares: Non-Finnish European, 0.00011%; no homozygotes.

Submissions (2):

Greenwood Genetic Center Diagnostic Laboratories, Greenwood Genetic Center
Classification: Uncertain significance. Last evaluated: 2026-06-10. Review status: criteria provided, single submitter. Criteria: ACMG Guidelines, 2015. Collection method: clinical testing. Allele origin: germline.
Comment: PM2, BP4

Labcorp Genetics (formerly Invitae), Labcorp
Classification: Uncertain significance. Last evaluated: 2022-04-07. Review status: criteria provided, single submitter. Criteria: Invitae Variant Classification Sherloc (09022015). Collection method: clinical testing. Allele origin: germline.
Comment: This sequence change falls in intron 34 of the STAG2 gene. It does not directly change the encoded amino acid sequence of the STAG2 protein. It affects a nucleotide within the consensus splice site. This variant is not present in population databases (gnomAD no frequency). This variant has not been reported in the literature in individuals affected with STAG2-related conditions. Variants that disrupt the consensus splice site are a relatively common cause of aberrant splicing (PMID: 17576681, 9536098). Algorithms developed to predict the effect of sequence changes on RNA splicing suggest that this variant is not likely to affect RNA splicing. In summary, the available evidence is currently insufficient to determine the role of this variant in disease. Therefore, it has been classified as a Variant of Uncertain Significance.

Literature cited by the submitters: PubMed 17576681 (cited by Labcorp Genetics (formerly Invitae), Labcorp); PubMed 9536098 (cited by Labcorp Genetics (formerly Invitae), Labcorp).